The following is an entry in ClinVar:

NM_001261826.3(AP3D1):c.2349+10G>A

Gene: AP3D1 (adaptor related protein complex 3 subunit delta 1; minus strand). Cytogenetic location: 19p13.3.
Variant type: single nucleotide variant.
Coding change: c.2349+10G>A on transcript NM_001261826.3 (MANE Select); 10 bases into the intron after coding-DNA position 2349, G replaced by A.
Molecular consequence: intron variant.
Genome position (GRCh38, 1-based): chr19:2,115,209, C>T on the plus strand (G>A on the coding strand, the complement: AP3D1 is on the minus strand). VCF-style: chr19-2115209-C-T. GRCh37 (hg19) VCF-style: chr19-2115208-C-T.
Other names: p.?; c.2349+10G>A (NM_003938.8, NM_001374799.1).
Identifiers: ClinVar variation 1653994 (VCV001653994.11), dbSNP rs773080557, ClinGen allele CA9058915.

ClinVar aggregate classification (germline): Likely benign. Review status: criteria provided, multiple submitters, no conflicts (2 of 4 stars). 4 submissions from 4 submitters: Likely benign (4). Last evaluated 2025-12-19.

Allele frequency attached by ClinVar (database versions not stated): gnomAD 0.00002 and 0.00003; TOPMed 0.00005.
gnomAD v4.1: 47 of 1,609,734 alleles (0.0029%); highest among the groups gnomAD compares: Middle Eastern, 0.016%; no homozygotes.

Submissions (4):

Labcorp Genetics (formerly Invitae), Labcorp
Classification: Likely benign. Last evaluated: 2025-12-19. Review status: criteria provided, single submitter. Criteria: Invitae Variant Classification Sherloc (09022015). Collection method: clinical testing. Allele origin: germline.

Mayo Clinic Laboratories, Mayo Clinic
Classification: Likely benign. Last evaluated: 2024-12-31. Review status: criteria provided, single submitter. Criteria: ACMG Guidelines, 2015. Collection method: clinical testing. Allele origin: germline. Observed: 1 variant allele.
Comment: BP4, BP7

Women's Health and Genetics/Laboratory Corporation of America, LabCorp
Classification: Likely benign. Last evaluated: 2024-09-19. Review status: criteria provided, single submitter. Criteria: LabCorp Variant Classification Summary - May 2015. Collection method: clinical testing. Allele origin: germline.

Blueprint Genetics
Classification: Likely benign. Last evaluated: 2023-10-24. Review status: criteria provided, single submitter. Criteria: ACMG Guidelines, 2015. Collection method: clinical testing. Allele origin: germline.